The following is an entry in ClinVar:

ClinVar aggregate classification (germline): Uncertain significance (1 of 4 stars; one submission).

Allele frequency attached by ClinVar (database versions not stated): gnomAD exomes below 0.00001; TOPMed 0.00001; ExAC 0.00002; ESP Exome Variant Server 0.00008.

Submission:

Ambry Genetics
Classification: Uncertain significance. Last evaluated: 2023-11-06. Review status: criteria provided, single submitter. Criteria: Ambry Variant Classification Scheme 2023. Collection method: clinical testing. Allele origin: germline.
Comment: The c.1333+2dupT intronic variant, results from a duplication of T at the c.1333+2 position after intron 9 of the RINT1 gene. This nucleotide position is highly conserved in available vertebrate species. In silico splice site analysis predicts that this alteration will weaken the native splice donor site and may result in the creation or strengthening of a novel splice donor site. The evidence for this gene-disease relationship is limited; therefore, the clinical significance of this alteration is unclear.

NM_021930.6(RINT1):c.1333+2dup

Gene: RINT1 (RAD50 interactor 1; plus strand). Cytogenetic location: 7q22.3.
Variant type: Duplication.
Coding change: c.1333+2dup on transcript NM_021930.6 (MANE Select); the canonical splice donor site of the intron after coding-DNA position 1333, one base duplicated (T; older notation c.1333+2dupT).
Molecular consequence: splice donor variant.
Genome position (GRCh38, 1-based): chr7:105,550,488, T duplicated. VCF-style (leftmost placement, unchanged base first): chr7-105550487-G-GT. GRCh37 (hg19) VCF-style: chr7-105190934-G-GT.
Other names: c.310+2dup (NM_001346600.2, NM_001346603.2); c.409+2dup (NM_001346601.2); c.1099+2dup (NM_001346599.2).
Identifiers: ClinVar variation 3227599 (VCV003227599.1), dbSNP rs775721137, ClinGen allele CA4426645.